The following is an entry in ClinVar:

NM_004260.4(RECQL4):c.457G>C (p.Glu153Gln)

Gene: RECQL4 (RecQ like helicase 4; minus strand). Cytogenetic location: 8q24.3.
Variant type: single nucleotide variant.
Coding change: c.457G>C on transcript NM_004260.4 (MANE Select); coding-DNA position 457, G replaced by C.
Protein change: p.Glu153Gln; replaces glutamic acid 153 with glutamine.
Molecular consequence: missense variant.
Genome position (GRCh38, 1-based): chr8:144,516,662, C>G on the plus strand (G>C on the coding strand, the complement: RECQL4 is on the minus strand). VCF-style: chr8-144516662-C-G. GRCh37 (hg19) VCF-style: chr8-145742046-C-G.
Other names: short protein forms E153Q.
Identifiers: ClinVar variation 1057891 (VCV001057891.5), dbSNP rs2130728564, ClinGen allele CA372691417.

ClinVar aggregate classification (germline): Uncertain significance (1 of 4 stars; one submission).

Conditions:
Baller-Gerold syndrome (BGS). Also called: CRANIOSYNOSTOSIS WITH RADIAL DEFECTS. Identifiers: Orphanet 1225, MedGen C0265308, MONDO:0009039, OMIM 218600.

Submission:

Labcorp Genetics (formerly Invitae), Labcorp
Classification: Uncertain significance for Baller-Gerold syndrome. Last evaluated: 2022-04-13. Review status: criteria provided, single submitter. Criteria: Invitae Variant Classification Sherloc (09022015). Collection method: clinical testing. Allele origin: germline.
Comment: This variant is not present in population databases (gnomAD no frequency). This variant has not been reported in the literature in individuals affected with RECQL4-related conditions. ClinVar contains an entry for this variant (Variation ID: 1057891). Experimental studies and prediction algorithms are not available or were not evaluated, and the functional significance of this variant is currently unknown. Algorithms developed to predict the effect of sequence changes on RNA splicing suggest that this variant may disrupt the consensus splice site. In summary, the available evidence is currently insufficient to determine the role of this variant in disease. Therefore, it has been classified as a Variant of Uncertain Significance. This sequence change replaces glutamic acid, which is acidic and polar, with glutamine, which is neutral and polar, at codon 153 of the RECQL4 protein (p.Glu153Gln).